The following is an entry in ClinVar:

NM_001244008.2(KIF1A):c.2859G>A (p.Arg953=)

Gene: KIF1A (kinesin family member 1A; minus strand). Cytogenetic location: 2q37.3.
Variant type: single nucleotide variant.
Coding change: c.2859G>A on transcript NM_001244008.2 (MANE Select); coding-DNA position 2859, G replaced by A.
Protein change: p.Arg953=; no amino-acid change (arginine 953 retained).
Molecular consequence: synonymous variant.
Genome position (GRCh38, 1-based): chr2:240,750,547, C>T on the plus strand (G>A on the coding strand, the complement: KIF1A is on the minus strand). VCF-style: chr2-240750547-C-T. GRCh37 (hg19) VCF-style: chr2-241689964-C-T.
Other names: c.2583G>A, p.Arg861= (NM_001320705.2, NM_001330289.2, NM_001379638.1); c.2658G>A, p.Arg886= (NM_001330290.2, NM_001379634.1, NM_001379635.1 and 1 more transcripts); c.2934G>A, p.Arg978= (NM_001379631.1); c.2808G>A, p.Arg936= (NM_001379632.1); c.2832G>A, p.Arg944= (NM_001379633.1, NM_001379642.1, NM_001379645.1); c.2556G>A, p.Arg852= (NM_001379636.1, NM_001379639.1, NM_001379640.1 and 7 more transcripts); c.2631G>A, p.Arg877= (NM_001379637.1, NM_001379648.1).
Identifiers: ClinVar variation 1945227 (VCV001945227.5), dbSNP rs1326654935, ClinGen allele CA432031686.
Genomic context (GRCh38, chr2:240,750,547, plus strand): 5'-GATTGCCACACGGTGTACCAGGGGAACGGGGTACAGCAGGTTGCTCAGGTACACGAAGGC[C>T]CTGGGGAGAAGCAGAGGCGGCGGTCATGGGCCACCCCTCCACGCATGTTCTGAACGGCAG-3'
Protein context (NP_001230937.1, residues 943-963): DRPPLFSLVG[Arg953=]AFVYLSNLLY

ClinVar aggregate classification (germline): Uncertain significance (1 of 4 stars; one submission).

Conditions:
Hereditary spastic paraplegia 30. Identifiers: Orphanet 101010, MedGen C5235139, MONDO:0012476.
Neuropathy, hereditary sensory, type 2C. Also called: Hereditary sensory and autonomic neuropathy type IIC; KIF1A-Related HSAN2 (HSAN2C). Identifiers: Orphanet 970, MedGen C3280168, MONDO:0013634, OMIM 614213.
Intellectual disability, autosomal dominant 9 (NESCAVS). Also called: NESCAV SYNDROME; KIF1A-Related Neurodevelopmental Disorder. Identifiers: Orphanet 662367, MedGen C5393830, MONDO:0013656, OMIM 614255.

Allele frequency attached by ClinVar (database versions not stated): gnomAD exomes below 0.00001; TOPMed below 0.00001.
gnomAD v4.1: 3 of 1,612,024 alleles (0.00019%); highest among the groups gnomAD compares: East Asian, 0.0067%; no homozygotes.

Submission:

Labcorp Genetics (formerly Invitae), Labcorp
Classification: Uncertain significance for Hereditary spastic paraplegia 30; Neuropathy, hereditary sensory, type 2C; Intellectual disability, autosomal dominant 9. Last evaluated: 2022-06-26. Review status: criteria provided, single submitter. Criteria: Invitae Variant Classification Sherloc (09022015). Collection method: clinical testing. Allele origin: germline.
Comment: In summary, the available evidence is currently insufficient to determine the role of this variant in disease. Therefore, it has been classified as a Variant of Uncertain Significance. Algorithms developed to predict the effect of sequence changes on RNA splicing suggest that this variant is not likely to affect RNA splicing. This variant has not been reported in the literature in individuals affected with KIF1A-related conditions. This variant is not present in population databases (gnomAD no frequency). This sequence change affects codon 852 of the KIF1A mRNA. It is a 'silent' change, meaning that it does not change the encoded amino acid sequence of the KIF1A protein. It affects a nucleotide within the consensus splice site.